The following is an entry in ClinVar:

ClinVar aggregate classification (germline): Likely pathogenic (1 of 4 stars; one submission).

Conditions:
Metaphyseal chondrodysplasia, McKusick type (CHH). Also called: Cartilage-hair hypoplasia; Cartilage-Hair Hypoplasia (CHH). Identifiers: Orphanet 175, MedGen C0220748, MONDO:0009595, OMIM 250250.

Submission:

Natera, Inc.
Classification: Likely pathogenic for Cartilage-hair hypoplasia. Last evaluated: 2025-10-09. Review status: criteria provided, single submitter. Criteria: Natera Variant Classification Schema (03/2026). Collection method: clinical testing. Allele origin: germline.
Comment: The n.-5delGinsAACGTAAAGCTGAGA variant in RMRP is an insertion affecting the RMRP promoter region between the TATA box and the transcription initiation site. Other duplications and insertions just upstream of the transcription initiation site have been reported in individuals affected with cartilage-hair hypoplasia (PMID: 11207361, 17937437). This variant is rare in the general population with a frequency below the threshold expected for the associated phenotype(s). Given the available evidence, this variant is classified as Likely pathogenic.

Literature cited by the submitters: PubMed 11207361; PubMed 17937437.

NR_003051.3(RMRP):n.-5delGinsAACGTAAAGCTGAGA

Gene: RMRP (RNA component of mitochondrial RNA processing endoribonuclease; minus strand). Cytogenetic location: 9p13.3.
Variant type: Indel.
Genome position: GRCh38 VCF-style: chr9-35658023-C-TCTCAGCTTTACGTT. GRCh37 (hg19) VCF-style: chr9-35658020-C-TCTCAGCTTTACGTT.
Identifiers: ClinVar variation 4817184 (VCV004817184.1).
Genomic context (GRCh38, chr9:35,658,023, plus strand): 5'-GGGGAGGAACAGAGTCCTCAGTGTGTAGCCTAGGATACAGGCCTTCAGCACGAACCACGT[C>TCTCAGCTTTACGTT]CTCAGCTTCACAGAGTAGTATTTTATAGCCCTAAAGAAATTGTGTTTTATGATTAGGGTG-3'